The following is an entry in ClinVar:

ClinVar aggregate classification (germline): Uncertain significance (1 of 4 stars; one submission).

Allele frequency attached by ClinVar (database versions not stated): gnomAD exomes below 0.00001; ExAC 0.00001; gnomAD 0.00001.
gnomAD v4.1: 2 of 1,614,072 alleles (0.00012%); highest among the groups gnomAD compares: East Asian, 0.0045%; no homozygotes.

Submission:

Labcorp Genetics (formerly Invitae), Labcorp
Classification: Uncertain significance. Last evaluated: 2022-06-20. Review status: criteria provided, single submitter. Criteria: Invitae Variant Classification Sherloc (09022015). Collection method: clinical testing. Allele origin: germline.
Comment: In summary, the available evidence is currently insufficient to determine the role of this variant in disease. Therefore, it has been classified as a Variant of Uncertain Significance. Advanced modeling of protein sequence and biophysical properties (such as structural, functional, and spatial information, amino acid conservation, physicochemical variation, residue mobility, and thermodynamic stability) performed at Invitae indicates that this missense variant is not expected to disrupt ABCC6 protein function. This variant has not been reported in the literature in individuals affected with ABCC6-related conditions. This variant is present in population databases (rs759237396, gnomAD 0.006%). This sequence change replaces arginine, which is basic and polar, with lysine, which is basic and polar, at codon 496 of the ABCC6 protein (p.Arg496Lys).

NM_001171.6(ABCC6):c.1487G>A (p.Arg496Lys)

Gene: ABCC6 (ATP binding cassette subfamily C member 6; minus strand). Cytogenetic location: 16p13.11.
Variant type: single nucleotide variant.
Coding change: c.1487G>A on transcript NM_001171.6 (MANE Select); coding-DNA position 1487, G replaced by A.
Protein change: p.Arg496Lys; replaces arginine 496 with lysine.
Molecular consequence: missense variant. On other transcripts: non-coding transcript variant (1).
Genome position (GRCh38, 1-based): chr16:16,190,312, C>T on the plus strand (G>A on the coding strand, the complement: ABCC6 is on the minus strand). VCF-style: chr16-16190312-C-T. GRCh37 (hg19) VCF-style: chr16-16284169-C-T.
Other names: c.1145G>A, p.Arg382Lys (NM_001351800.1); short protein forms R496K, R382K.
Identifiers: ClinVar variation 1972782 (VCV001972782.5), dbSNP rs759237396, ClinGen allele CA7926286.